The following is an entry in ClinVar:

ClinVar aggregate classification (germline): Likely benign (1 of 4 stars; one submission).

gnomAD v4.1: 82 of 1,612,762 alleles (0.0051%); highest among the groups gnomAD compares: Non-Finnish European, 0.0064%; no homozygotes.

Submission:

CeGaT Center for Human Genetics Tuebingen
Classification: Likely benign. Last evaluated: 2025-03-01. Review status: criteria provided, single submitter. Criteria: CeGaT Center For Human Genetics Tuebingen Variant Classification Criteria Version 2. Collection method: clinical testing. Allele origin: germline. Affected: yes. Observed: 1 variant allele.
Comment: PUF60: BP4, BP7

NM_078480.3(PUF60):c.717C>T (p.Asp239=)

Gene: PUF60 (poly(U) binding splicing factor 60; minus strand). Cytogenetic location: 8q24.3.
Variant type: single nucleotide variant.
Coding change: c.717C>T on transcript NM_078480.3 (MANE Select); coding-DNA position 717, C replaced by T.
Protein change: p.Asp239=; no amino-acid change (aspartic acid 239 retained).
Molecular consequence: synonymous variant.
Genome position (GRCh38, 1-based): chr8:143,817,962, G>A on the plus strand (C>T on the coding strand, the complement: PUF60 is on the minus strand). VCF-style: chr8-143817962-G-A. GRCh37 (hg19) VCF-style: chr8-144900132-G-A.
Other names: c.588C>T, p.Asp196= (NM_001136033.3); c.663C>T, p.Asp221= (NM_001271096.2); c.579C>T, p.Asp193= (NM_001271097.2); c.714C>T, p.Asp238= (NM_001271098.2); c.630C>T, p.Asp210= (NM_001271099.2); c.537C>T, p.Asp179= (NM_001271100.2); c.828C>T, p.Asp276= (NM_001362895.2, NM_001362896.2); c.777C>T, p.Asp259= (NM_001362897.2); and 1 more.
Identifiers: ClinVar variation 3778258 (VCV003778258.7).